The following is an entry in ClinVar:

NM_005334.3(HCFC1):c.2811G>C (p.Thr937=)

Gene: HCFC1 (host cell factor C1; minus strand). Cytogenetic location: Xq28.
Variant type: single nucleotide variant.
Coding change: c.2811G>C on transcript NM_005334.3 (MANE Select); coding-DNA position 2811, G replaced by C.
Protein change: p.Thr937=; no amino-acid change (threonine 937 retained).
Molecular consequence: synonymous variant.
Genome position (GRCh38, 1-based): chrX:153,956,236, C>G on the plus strand (G>C on the coding strand, the complement: HCFC1 is on the minus strand). VCF-style: chrX-153956236-C-G. GRCh37 (hg19) VCF-style: chrX-153221687-C-G.
Other names: c.2811G>C, p.Thr937= (NM_001410705.1, NM_001440843.1, NM_001440844.1 and 5 more transcripts); c.2613G>C, p.Thr871= (NM_001440850.1, NM_001440851.1).
Identifiers: ClinVar variation 4875131 (VCV004875131.2).
Genomic context (GRCh38, chrX:153,956,236, plus strand): 5'-CAGGCCCTGCCCTACCTGCATGGTGATGGTTGGGGTTGTGAGCCCGCCTGCCGCTGTCAG[C>G]GTGGTCTGTGCGGCCGACACAGTGATGGCAGTGGGGTTGATCACCTGGCTTGAGAGGGTG-3'
Protein context (NP_005325.2, residues 927-947): TAITVSAAQT[Thr937=]LTAAGGLTTP

ClinVar aggregate classification (germline): Likely benign (1 of 4 stars; one submission).

Submission:

CeGaT Center for Human Genetics Tuebingen
Classification: Likely benign. Last evaluated: 2026-06-01. Review status: criteria provided, single submitter. Criteria: CeGaT Center For Human Genetics Tuebingen Variant Classification Criteria Version 2. Collection method: clinical testing. Allele origin: germline. Affected: yes. Observed: 1 variant allele.
Comment: HCFC1: PM2:Supporting, BP4, BP7